The following is an entry in ClinVar:

NM_006265.3(RAD21):c.817G>A (p.Gly273Ser)

Gene: RAD21 (RAD21 cohesin complex component; minus strand). Cytogenetic location: 8q24.11.
Variant type: single nucleotide variant.
Coding change: c.817G>A on transcript NM_006265.3 (MANE Select); coding-DNA position 817, G replaced by A.
Protein change: p.Gly273Ser; replaces glycine 273 with serine.
Molecular consequence: missense variant.
Genome position (GRCh38, 1-based): chr8:116,856,286, C>T on the plus strand (G>A on the coding strand, the complement: RAD21 is on the minus strand). VCF-style: chr8-116856286-C-T. GRCh37 (hg19) VCF-style: chr8-117868525-C-T.
Other names: short protein forms G273S.
Identifiers: ClinVar variation 3774750 (VCV003774750.1).

ClinVar aggregate classification (germline): Uncertain significance (1 of 4 stars; one submission).

gnomAD v4.1: 1 of 1,444,026 alleles (0.000069%); highest among the groups gnomAD compares: Non-Finnish European, 0.00009%; no homozygotes.

Submission:

GeneDx
Classification: Uncertain significance. Last evaluated: 2024-09-26. Review status: criteria provided, single submitter. Criteria: GeneDx Variant Classification Process June 2021. Collection method: clinical testing. Allele origin: germline. Affected: yes.
Comment: Not observed at significant frequency in large population cohorts (gnomAD); In silico analysis indicates that this missense variant does not alter protein structure/function; Has not been previously published as pathogenic or benign to our knowledge